The following is an entry in ClinVar:

ClinVar aggregate classification (germline): Uncertain significance (1 of 4 stars; one submission).

Submission:

GeneDx
Classification: Uncertain significance. Last evaluated: 2024-09-21. Review status: criteria provided, single submitter. Criteria: GeneDx Variant Classification Process June 2021. Collection method: clinical testing. Allele origin: germline. Affected: yes.
Comment: Not observed at significant frequency in large population cohorts (gnomAD); In silico analysis indicates that this missense variant does not alter protein structure/function; Has not been previously published as pathogenic or benign to our knowledge

NM_000214.3(JAG1):c.3244A>G (p.Ile1082Val)

Gene: JAG1 (jagged canonical Notch ligand 1; minus strand). Cytogenetic location: 20p12.2.
Variant type: single nucleotide variant.
Coding change: c.3244A>G on transcript NM_000214.3 (MANE Select); coding-DNA position 3244, A replaced by G.
Protein change: p.Ile1082Val; replaces isoleucine 1082 with valine.
Molecular consequence: missense variant.
Genome position (GRCh38, 1-based): chr20:10,639,911, T>C on the plus strand (A>G on the coding strand, the complement: JAG1 is on the minus strand). VCF-style: chr20-10639911-T-C. GRCh37 (hg19) VCF-style: chr20-10620559-T-C.
Other names: short protein forms I1082V.
Identifiers: ClinVar variation 3773891 (VCV003773891.1).